The following is an entry in ClinVar:

ClinVar aggregate classification (germline): Likely benign. Review status: criteria provided, multiple submitters, no conflicts (2 of 4 stars). 3 submissions from 3 submitters: Likely benign (2). 1 of the submissions does not count toward it. Last evaluated 2025-12-01.

Conditions:
CRB2-related disorder. Also called: CRB2-related condition; CRB2-related disorders.

Allele frequency attached by ClinVar (database versions not stated): gnomAD exomes 0.00008 and 0.00018; ExAC 0.00021; ESP Exome Variant Server 0.00038; gnomAD 0.00049 and 0.00051; TOPMed 0.00056; 1000 Genomes Project 0.00060; 1000 Genomes Project 30x 0.00062.
gnomAD v4.1: 191 of 1,611,520 alleles (0.012%); highest among the groups gnomAD compares: African/African-American, 0.15%; no homozygotes.

Submissions (3):

Labcorp Genetics (formerly Invitae), Labcorp
Classification: Likely benign. Last evaluated: 2025-12-01. Review status: criteria provided, single submitter. Criteria: Invitae Variant Classification Sherloc (09022015). Collection method: clinical testing. Allele origin: germline.

Blueprint Genetics
Classification: Likely benign. Last evaluated: 2024-09-04. Review status: criteria provided, single submitter. Criteria: ACMG Guidelines, 2015. Collection method: clinical testing. Allele origin: germline.

PreventionGenetics, part of Exact Sciences
Classification: Likely benign for CRB2-related condition. Last evaluated: 2024-08-05. Review status: no assertion criteria provided. Collection method: clinical testing. Allele origin: germline. Not counted in ClinVar's aggregate classification.
Comment: This variant is classified as likely benign based on ACMG/AMP sequence variant interpretation guidelines (Richards et al. 2015 PMID: 25741868, with internal and published modifications).

NM_173689.7(CRB2):c.327C>T (p.Ile109=)

Gene: CRB2 (crumbs cell polarity complex component 2; plus strand). Cytogenetic location: 9q33.3.
Variant type: single nucleotide variant.
Coding change: c.327C>T on transcript NM_173689.7 (MANE Select); coding-DNA position 327, C replaced by T.
Protein change: p.Ile109=; no amino-acid change (isoleucine 109 retained).
Molecular consequence: synonymous variant.
Genome position (GRCh38, 1-based): chr9:123,363,097, C>T. VCF-style: chr9-123363097-C-T. GRCh37 (hg19) VCF-style: chr9-126125376-C-T.
Other names: c.327C>T (NM_173689.6).
Identifiers: ClinVar variation 1131922 (VCV001131922.11), dbSNP rs144843375, ClinGen allele CA5231611.
Genomic context (GRCh38, chr9:123,363,097, plus strand): 5'-CACCGGCTTCCGCTGCTACTGCGTGCCGGGTTTCCAGGGCCCACGCTGCGAGCTGGACAT[C>T]GATGAGTGTGCATCCCGGCCGTGCCACCATGGGGCCACCTGCCGCAACCTGGCCGATCGC-3'
Protein context (NP_775960.4, residues 99-119): GFQGPRCELD[Ile109=]DECASRPCHH